The following is an entry in ClinVar:

NM_015450.3(POT1):c.1595-111A>G

Gene: POT1 (protection of telomeres 1; minus strand). Cytogenetic location: 7q31.33.
Variant type: single nucleotide variant.
Coding change: c.1595-111A>G on transcript NM_015450.3 (MANE Select); 111 bases into the intron before coding-DNA position 1595, A replaced by G.
Molecular consequence: intron variant.
Genome position (GRCh38, 1-based): chr7:124,827,416, T>C on the plus strand (A>G on the coding strand, the complement: POT1 is on the minus strand). VCF-style: chr7-124827416-T-C. GRCh37 (hg19) VCF-style: chr7-124467470-T-C.
Other names: c.1202-111A>G (NM_001042594.2).
Identifiers: ClinVar variation 677025 (VCV000677025.2), dbSNP rs10244817, ClinGen allele CA15514541.

ClinVar aggregate classification (germline): Benign. Review status: criteria provided, multiple submitters, no conflicts (2 of 4 stars). 2 submissions from 2 submitters: Benign (2). Last evaluated 2018-06-15.

Allele frequency attached by ClinVar (database versions not stated): 1000 Genomes Project 30x 0.19019; 1000 Genomes Project 0.19509; TOPMed 0.21453; gnomAD 0.21613 and 0.21731.
gnomAD v4.1: 121,529 of 477,982 alleles (25%); highest among the groups gnomAD compares: East Asian, 33%; 16,258 homozygotes.

Submissions (2):

GeneDx
Classification: Benign. Last evaluated: 2018-06-15. Review status: criteria provided, single submitter. Criteria: GeneDx Variant Classification (06012015). Collection method: clinical testing. Allele origin: germline. Affected: yes.
Comment: This variant is considered likely benign or benign based on one or more of the following criteria: it is a conservative change, it occurs at a poorly conserved position in the protein, it is predicted to be benign by multiple in silico algorithms, and/or has population frequency not consistent with disease.

Breakthrough Genomics
Classification: Benign. Review status: criteria provided, single submitter. Criteria: ACMG Guidelines, 2015. Collection method: not provided. Allele origin: germline. Inheritance: Autosomal dominant inheritance. Affected: yes.